The following is an entry in ClinVar:

ClinVar aggregate classification (germline): Pathogenic (1 of 4 stars; one submission).

Conditions:
Wilms tumor 1 (WT1). Also called: Wilms tumor, somatic. Identifiers: Orphanet 654, MedGen CN033288, MONDO:0008679, OMIM 194070.
11p partial monosomy syndrome (WAGR). Also called: CHROMOSOME 11p13 DELETION SYNDROME; WAGR Spectrum Disorder; WAGR syndrome; WAGR Complex. Identifiers: Orphanet 893, MedGen C0206115, MONDO:0008681, OMIM 194072.
Drash syndrome (DDS). Also called: NEPHROPATHY, WILMS TUMOR, AND GENITAL ANOMALIES; WILMS TUMOR AND PSEUDO- OR TRUE HERMAPHRODITISM. Identifiers: Orphanet 220, MedGen C0950121, MONDO:0008682, OMIM 194080.
Frasier syndrome. Identifiers: Orphanet 347, MedGen C0950122, MeSH D052159, MONDO:0007635, OMIM 136680.

Submission:

Labcorp Genetics (formerly Invitae), Labcorp
Classification: Pathogenic for Wilms tumor 1; Drash syndrome; 11p partial monosomy syndrome; Frasier syndrome. Last evaluated: 2025-10-21. Review status: criteria provided, single submitter. Criteria: Invitae Variant Classification Sherloc (09022015). Collection method: clinical testing. Allele origin: germline.
Comment: This sequence change creates a premature translational stop signal (p.Phe391Leufs*10) in the WT1 gene. It is expected to result in an absent or disrupted protein product. Loss-of-function variants in WT1 are known to be pathogenic (PMID: 15150775). This variant is not present in population databases (gnomAD no frequency). This variant has not been reported in the literature in individuals affected with WT1-related conditions. For these reasons, this variant has been classified as Pathogenic.

Literature cited by the submitters: PubMed 15150775.

NM_024426.6(WT1):c.1185dup (p.Phe396fs)

Gene: WT1 (WT1 transcription factor; minus strand). Cytogenetic location: 11p13.
Variant type: Duplication.
Coding change: c.1185dup on transcript NM_024426.6 (MANE Select); coding-DNA position 1185, one base duplicated (C; older notation c.1185dupC).
Protein change: p.Phe396fs; shifts the reading frame from phenylalanine 396.
Molecular consequence: frameshift variant. On other transcripts: 5 prime UTR variant (1), non-coding transcript variant (2).
Genome position (GRCh38, 1-based): chr11:32,396,336, G duplicated on the plus strand (C on the coding strand, the reverse complement: WT1 is on the minus strand); the first of 4 consecutive G bases (chr11:32,396,336-32,396,339); duplicating any one gives the same sequence. VCF-style (leftmost placement, unchanged base first): chr11-32396335-A-AG. GRCh37 (hg19) VCF-style: chr11-32417881-A-AG.
Other names: c.1134dup, p.Phe379fs (NM_000378.6, NM_001407045.1, NM_001407048.1 and 1 more transcripts); c.534dup, p.Phe179fs (NM_001198551.2); c.483dup, p.Phe162fs (NM_001198552.2); c.-4dup (NM_001367854.1); c.1179dup, p.Phe394fs (NM_001407044.1); c.1185dup, p.Phe396fs (NM_001407046.1, NM_024424.5); c.1062dup, p.Phe355fs (NM_001407047.1); c.1011dup, p.Phe338fs (NM_001407050.1); and 3 more; short protein forms F142fs, F379fs, F162fs, F323fs, F338fs, F355fs, F394fs, F179fs.
Identifiers: ClinVar variation 4784032 (VCV004784032.1).